The following is an entry in ClinVar:

NM_001127644.2(GABRA1):c.1262G>T (p.Arg421Leu)

Gene: GABRA1 (gamma-aminobutyric acid type A receptor subunit alpha1; plus strand). Cytogenetic location: 5q34.
Variant type: single nucleotide variant.
Coding change: c.1262G>T on transcript NM_001127644.2 (MANE Select); coding-DNA position 1262, G replaced by T.
Protein change: p.Arg421Leu; replaces arginine 421 with leucine.
Molecular consequence: missense variant.
Genome position (GRCh38, 1-based): chr5:161,897,313, G>T. VCF-style: chr5-161897313-G-T. GRCh37 (hg19) VCF-style: chr5-161324319-G-T.
Other names: c.1262G>T, p.Arg421Leu (NM_000806.5, NM_001127643.2, NM_001127645.2 and 1 more transcripts); short protein forms R421L.
Identifiers: ClinVar variation 3776264 (VCV003776264.1).

ClinVar aggregate classification (germline): Uncertain significance (1 of 4 stars; one submission).

Conditions:
Developmental and epileptic encephalopathy, 19 (DEE19). Also called: Epileptic encephalopathy, early infantile, 19. Identifiers: Orphanet 33069, MedGen C3810400, MONDO:0014328, OMIM 615744.

Submission:

3billion
Classification: Uncertain significance for Developmental and epileptic encephalopathy, 19. Last evaluated: 2024-01-31. Review status: criteria provided, single submitter. Criteria: ACMG Guidelines, 2015. Collection method: clinical testing. Allele origin: germline. Affected: yes.
Comment: The variant is not observed in the gnomAD v2.1.1 dataset. Predicted Consequence/Location: Missense changes are a common disease-causing mechanism. In silico tool predictions suggest damaging effect of the variant on gene or gene product [REVEL: 0.79 (>=0.6, sensitivity 0.68 and specificity 0.92); 3Cnet: 0.60 (>=0.6, sensitivity 0.72 and precision 0.9)]. Therefore, this variant is classified as VUS according to the recommendation of ACMG/AMP guideline.